The following is an entry in ClinVar:

ClinVar aggregate classification (germline): Uncertain significance (1 of 4 stars; one submission).

Conditions:
Autosomal dominant childhood-onset proximal spinal muscular atrophy with contractures (SMALED2A). Also called: Spinal muscular atrophy, lower extremity-predominant, 2A, autosomal dominant; SPINAL MUSCULAR ATROPHY, LOWER EXTREMITY-PREDOMINANT, 2A, CHILDHOOD ONSET, AUTOSOMAL DOMINANT. Identifiers: Orphanet 363447, Orphanet 363454, MedGen C4747715, MONDO:0014121, OMIM 615290.

Submission:

Labcorp Genetics (formerly Invitae), Labcorp
Classification: Uncertain significance for Autosomal dominant childhood-onset proximal spinal muscular atrophy with contractures. Last evaluated: 2022-03-26. Review status: criteria provided, single submitter. Criteria: Invitae Variant Classification Sherloc (09022015). Collection method: clinical testing. Allele origin: germline.
Comment: In summary, the available evidence is currently insufficient to determine the role of this variant in disease. Therefore, it has been classified as a Variant of Uncertain Significance. Experimental studies and prediction algorithms are not available or were not evaluated, and the functional significance of this variant is currently unknown. This variant has not been reported in the literature in individuals affected with BICD2-related conditions. This variant is not present in population databases (gnomAD no frequency). This variant, c.10_12dup, results in the insertion of 1 amino acid(s) of the BICD2 protein (p.Pro4dup), but otherwise preserves the integrity of the reading frame.

NM_001003800.2(BICD2):c.10_12dup (p.Pro4_Ser5insPro)

Gene: BICD2 (BICD cargo adaptor 2; minus strand). Cytogenetic location: 9q22.31.
Variant type: Duplication.
Coding change: c.10_12dup on transcript NM_001003800.2 (MANE Select); coding-DNA positions 10 to 12, 3 bases duplicated (CCG; older notation c.10_12dupCCG).
Protein change: p.Pro4_Ser5insPro.
Molecular consequence: inframe insertion.
Genome position (GRCh38, 1-based): chr9:92,764,733-92,764,735, CGG duplicated on the plus strand (CCG on the coding strand, the reverse complement: BICD2 is on the minus strand); duplicating any 3 consecutive bases within chr9:92,764,733-92,764,737 gives the same sequence; the c. name uses the placement nearest the transcript's 3' end. VCF-style (leftmost placement, unchanged base first): chr9-92764732-A-ACGG. GRCh37 (hg19) VCF-style: chr9-95527014-A-ACGG.
Other names: c.10_12dup, p.Pro4_Ser5insPro (NM_015250.4).
Identifiers: ClinVar variation 2082348 (VCV002082348.4), dbSNP rs2537622479, ClinGen allele CA2579382021.